The following is an entry in ClinVar:

ClinVar aggregate classification (germline): Pathogenic. Review status: criteria provided, multiple submitters, no conflicts (2 of 4 stars). 3 submissions from 3 submitters: Pathogenic (2). 1 of the submissions does not count toward it. Last evaluated 2021-07-15.

Conditions:
Glycogen storage disease type III (GSD3). Also called: Cori disease; FORBES DISEASE. Identifiers: Orphanet 366, MedGen C0017922, MONDO:0009291, OMIM 232400.

Submissions (3):

Genome-Nilou Lab
Classification: Pathogenic for Glycogen storage disease type III. Last evaluated: 2021-07-15. Review status: criteria provided, single submitter. Criteria: ACMG Guidelines, 2015. Collection method: clinical testing. Allele origin: germline. Affected: no.

Labcorp Genetics (formerly Invitae), Labcorp
Classification: Pathogenic for Glycogen storage disease type III. Last evaluated: 2020-10-19. Review status: criteria provided, single submitter. Criteria: Invitae Variant Classification Sherloc (09022015). Collection method: clinical testing. Allele origin: germline.
Comment: For these reasons, this variant has been classified as Pathogenic. This variant has not been reported in the literature in individuals with AGL-related conditions. ClinVar contains an entry for this variant (Variation ID: 371162). This variant is not present in population databases (ExAC no frequency). This sequence change creates a premature translational stop signal (p.Leu22Serfs*14) in the AGL gene. It is expected to result in an absent or disrupted protein product. Loss-of-function variants in AGL are known to be pathogenic (PMID: 19299494).

Counsyl
Classification: Likely pathogenic for Glycogen storage disease type III. Last evaluated: 2016-07-18. Review status: no assertion criteria provided. Collection method: clinical testing. Allele origin: unknown. Not counted in ClinVar's aggregate classification.

Literature cited by the submitters: PubMed 19299494 (cited by Labcorp Genetics (formerly Invitae), Labcorp).

NM_000642.3(AGL):c.64del (p.Leu22fs)

Gene: AGL (amylo-alpha-1,6-glucosidase and 4-alpha-glucanotransferase; plus strand). Cytogenetic location: 1p21.2.
Variant type: Deletion.
Coding change: c.64del on transcript NM_000642.3 (MANE Select); coding-DNA position 64, one base deleted (C; older notation c.64delC).
Protein change: p.Leu22fs; shifts the reading frame from leucine 22.
Molecular consequence: frameshift variant.
Genome position (GRCh38, 1-based): chr1:99,851,106, C deleted; the last of 3 consecutive C bases (chr1:99,851,104-99,851,106); deleting any one gives the same sequence. VCF-style (leftmost placement, unchanged base first): chr1-99851103-AC-A. GRCh37 (hg19) VCF-style: chr1-100316659-AC-A.
Other names: c.64delC, p.Leu22Serfs (NM_000028.3, NM_000643.3, NM_000644.3 and 6 more transcripts); c.-128delC (NM_000646.3); short protein forms L22fs.
Identifiers: ClinVar variation 371162 (VCV000371162.12), dbSNP rs1057517057, ClinGen allele CA16040819.